The following is an entry in ClinVar:

ClinVar aggregate classification (germline): Pathogenic. Review status: criteria provided, multiple submitters, no conflicts (2 of 4 stars). 3 submissions from 3 submitters: Pathogenic (2). 1 of the submissions does not count toward it. Last evaluated 2024-09-23.

Conditions:
Autosomal recessive nonsyndromic hearing loss 4 (DFNB4). Also called: FOXI1-Related Pendred Syndrome; KCNJ10-Related Pendred Syndrome; NEUROSENSORY NONSYNDROMIC RECESSIVE DEAFNESS 4; DEAFNESS, AUTOSOMAL RECESSIVE 4, WITH ENLARGED VESTIBULAR AQUEDUCT, DIGENIC; Nonsyndromic enlarged vestibular aqueduct (NSEVA); Deafness, autosomal recessive 4, with enlarged vestibular aqueduct. Identifiers: Orphanet 90636, MedGen C3538946, MONDO:0010933, OMIM 600791.
Pendred syndrome (PDS). Also called: DEAFNESS WITH GOITER; Pendred Syndrome (PDS); HYPOTHYROIDISM, CONGENITAL, DUE TO DYSHORMONOGENESIS, 2B; GOITER-DEAFNESS SYNDROME; Pendred's syndrome; THYROID DYSHORMONOGENESIS 2B. Identifiers: Orphanet 705, MedGen C0271829, MONDO:0010134, OMIM 274600.

Submissions (3):

Natera, Inc.
Classification: Pathogenic for Pendred syndrome. Last evaluated: 2024-09-23. Review status: criteria provided, single submitter. Criteria: Natera Variant Classification Schema (03/2026). Collection method: clinical testing. Allele origin: germline.
Comment: The c.1340delA variant in SLC26A4 is a frameshift variant predicted to shift the reading frame beginning at codon 447 and leads to a stop codon 8 codons downstream. This variant is expected to result in nonsense mediated decay, truncation, or a dysfunctional protein product. This variant is rare in the general population with a frequency below the threshold expected for the associated phenotype(s). This variant has been observed in one or more individuals affected with the associated recessive disease, as either homozygous or compound heterozygous with a second variant (PMID: 27610647). Given the available evidence, this variant is classified as Pathogenic.

Women's Health and Genetics/Laboratory Corporation of America, LabCorp
Classification: Pathogenic for Pendred syndrome. Last evaluated: 2023-07-10. Review status: criteria provided, single submitter. Criteria: LabCorp Variant Classification Summary - May 2015. Collection method: clinical testing. Allele origin: germline.
Comment: Variant summary: SLC26A4 c.1340delA (p.Lys447SerfsX8) results in a premature termination codon, predicted to cause a truncation of the encoded protein or absence of the protein due to nonsense mediated decay, which are commonly known mechanisms for disease. Variants downstream of this position have been classified as pathogenic by our laboratory. The variant was absent in 250738 control chromosomes (gnomAD). c.1340delA has been reported in the literature in individuals affected with non-syndromic hearing loss (example: Gao_2016). These data indicate that the variant may be associated with disease. The following publication has been ascertained in the context of this evaluation (PMID: 27792752). One submitter has cited clinical-significance assessments for this variant to ClinVar after 2014 and has classified the variant as pathogenic. Based on the evidence outlined above, the variant was classified as pathogenic.

Genetic Testing Center for Deafness, Department of Otolaryngology Head & Neck Surgery, Institute of Otolaryngology, Chinese PLA General Hospital
Classification: Pathogenic for Autosomal recessive nonsyndromic hearing loss 4. Last evaluated: 2019-02-26. Review status: no assertion criteria provided. Collection method: case-control. Allele origin: inherited. Affected: yes. Observed: 1 variant allele. Not counted in ClinVar's aggregate classification.

Literature cited by the submitters: PubMed 27610647 (cited by Natera, Inc.); PubMed 27792752 (cited by Women's Health and Genetics/Laboratory Corporation of America, LabCorp).

NM_000441.2(SLC26A4):c.1340del (p.Lys447fs)

Gene: SLC26A4 (solute carrier family 26 member 4; plus strand). Cytogenetic location: 7q22.3.
Variant type: Deletion.
Coding change: c.1340del on transcript NM_000441.2 (MANE Select); coding-DNA position 1340, one base deleted (A; older notation c.1340delA).
Protein change: p.Lys447fs; shifts the reading frame from lysine 447.
Molecular consequence: frameshift variant.
Genome position (GRCh38, 1-based): chr7:107,694,479, A deleted; the last of 2 consecutive A bases (chr7:107,694,478-107,694,479); deleting either gives the same sequence. VCF-style (leftmost placement, unchanged base first): chr7-107694477-GA-G. GRCh37 (hg19) VCF-style: chr7-107334922-GA-G.
Other names: c.1340delA (NM_000441.1); short protein forms K447fs.
Identifiers: ClinVar variation 627473 (VCV000627473.3), dbSNP rs1562835515, ClinGen allele CA913189773.